The following is an entry in ClinVar:

ClinVar aggregate classification (germline): Likely benign (0 of 4 stars; one submission).

Conditions:
RAI1-related disorder. Also called: RAI1-related condition.

Submission:

PreventionGenetics, part of Exact Sciences
Classification: Likely benign for RAI1-related condition. Last evaluated: 2023-09-12. Review status: no assertion criteria provided. Collection method: clinical testing. Allele origin: germline.
Comment: This variant is classified as likely benign based on ACMG/AMP sequence variant interpretation guidelines (Richards et al. 2015 PMID: 25741868, with internal and published modifications).

NM_030665.4(RAI1):c.3273C>G (p.Ala1091=)

Gene: RAI1 (retinoic acid induced 1; plus strand). Cytogenetic location: 17p11.2.
Variant type: single nucleotide variant.
Coding change: c.3273C>G on transcript NM_030665.4 (MANE Select); coding-DNA position 3273, C replaced by G.
Protein change: p.Ala1091=; no amino-acid change (alanine 1091 retained).
Molecular consequence: synonymous variant.
Genome position (GRCh38, 1-based): chr17:17,796,221, C>G. VCF-style: chr17-17796221-C-G. GRCh37 (hg19) VCF-style: chr17-17699535-C-G.
Identifiers: ClinVar variation 3349550 (VCV003349550.1).